The following is an entry in ClinVar:

ClinVar aggregate classification (germline): Likely pathogenic (0 of 4 stars; one submission).

Conditions:
GLI3-related disorder. Also called: GLI3-related condition; GLI3-related disorders. Identifiers: MedGen CN239292.

Submission:

PreventionGenetics, part of Exact Sciences
Classification: Likely pathogenic for GLI3-related condition. Last evaluated: 2024-05-02. Review status: no assertion criteria provided. Collection method: clinical testing. Allele origin: germline.
Comment: The GLI3 c.3874C>T variant is predicted to result in premature protein termination (p.Gln1292*). To our knowledge, this variant has not been reported in the literature or in a large population database, indicating this variant is rare. Nonsense variants in GLI3 are expected to be pathogenic. This variant resides in the last exon and may not result in nonsense mediated decay, however multiple loss-of-function variants located downstream of this variant were reported as causative. This variant is interpreted as likely pathogenic.

NM_000168.6(GLI3):c.3874C>T (p.Gln1292Ter)

Gene: GLI3 (GLI family zinc finger 3; minus strand). Cytogenetic location: 7p14.1.
Variant type: single nucleotide variant.
Coding change: c.3874C>T on transcript NM_000168.6 (MANE Select); coding-DNA position 3874, C replaced by T.
Protein change: p.Gln1292Ter; replaces glutamine 1292 with a stop codon.
Molecular consequence: nonsense.
Genome position (GRCh38, 1-based): chr7:41,965,199, G>A on the plus strand (C>T on the coding strand, the complement: GLI3 is on the minus strand). VCF-style: chr7-41965199-G-A. GRCh37 (hg19) VCF-style: chr7-42004797-G-A.
Other names: short protein forms Q1292*.
Identifiers: ClinVar variation 3344604 (VCV003344604.1).